The following is an entry in ClinVar:

NM_001267550.2(TTN):c.105780C>A (p.His35260Gln)

Genes: TTN-AS1 (TTN antisense RNA 1; plus strand), TTN (titin; minus strand), LOC129935183 (ATAC-STARR-seq lymphoblastoid active region 16808; plus strand). Cytogenetic location: 2q31.2.
Variant type: single nucleotide variant.
Coding change: c.105780C>A on transcript NM_001267550.2 (MANE Select); coding-DNA position 105780, C replaced by A.
Protein change: p.His35260Gln; replaces histidine 35260 with glutamine.
Molecular consequence: missense variant.
Genome position (GRCh38, 1-based): chr2:178,530,835, G>T on the plus strand (C>A on the coding strand, the complement: TTN is on the minus strand). VCF-style: chr2-178530835-G-T. GRCh37 (hg19) VCF-style: chr2-179395562-G-T.
Other names: c.100857C>A, p.His33619Gln (NM_001256850.1); c.78585C>A, p.His26195Gln (NM_003319.4); c.98076C>A, p.His32692Gln (NM_133378.4); c.78960C>A, p.His26320Gln (NM_133432.3); c.79161C>A, p.His26387Gln (NM_133437.4); short protein forms H33619Q, H32692Q, H26195Q, H26387Q, H35260Q, H26320Q.
Identifiers: ClinVar variation 853932 (VCV000853932.8), dbSNP rs373486593, ClinGen allele CA349407788.

ClinVar aggregate classification (germline): Uncertain significance (1 of 4 stars; one submission).

Conditions:
Dilated cardiomyopathy 1G (CMD1G). Identifiers: Orphanet 154, MedGen C1858763, MONDO:0011400, OMIM 604145.
Autosomal recessive limb-girdle muscular dystrophy type 2J (LGMDR10). Also called: MUSCULAR DYSTROPHY, LIMB-GIRDLE, AUTOSOMAL RECESSIVE 10; Limb-girdle muscular dystrophy, type 2J. Identifiers: Orphanet 140922, MedGen C1837342, MONDO:0012127, OMIM 608807.

Allele frequency attached by ClinVar (database versions not stated): TOPMed 0.00001.
gnomAD v4.1: 1 of 1,613,740 alleles (0.000062%); highest among the groups gnomAD compares: Non-Finnish European, 0.000085%; no homozygotes.

Submission:

Labcorp Genetics (formerly Invitae), Labcorp
Classification: Uncertain significance for Dilated cardiomyopathy 1G; Autosomal recessive limb-girdle muscular dystrophy type 2J. Last evaluated: 2019-02-01. Review status: criteria provided, single submitter. Criteria: Invitae Variant Classification Sherloc (09022015). Collection method: clinical testing. Allele origin: germline.
Comment: This sequence change replaces histidine with glutamine at codon 35260 of the TTN protein (p.His35260Gln). There is a small physicochemical difference between histidine and glutamine. Algorithms developed to predict the effect of missense changes on protein structure and function are unavailable for the TTN gene. This variant is located in the M band of TTN (PMID: 25589632). Variants in this region may be relevant for neuromuscular disorders, but have not been definitively shown to cause cardiomyopathy (PMID: 23975875). In summary, the available evidence is currently insufficient to determine the role of this variant in disease. Therefore, it has been classified as a Variant of Uncertain Significance. This variant has not been reported in the literature in individuals with TTN-related conditions. This variant is not present in population databases (ExAC no frequency).

Literature cited by the submitters: PubMed 25589632; PubMed 23975875.